The following is an entry in ClinVar:

ClinVar aggregate classification (germline): Uncertain significance (1 of 4 stars; one submission).

Conditions:
Hearing impairment. Also called: Impaired Hearing. Identifiers: MedGen C1384666, MONDO:0005365, HP:0000365.

Submission:

Department of Otolaryngology – Head & Neck Surgery, Cochlear Implant Center
Classification: Uncertain significance for Hearing impairment. Last evaluated: 2021-04-12. Review status: criteria provided, single submitter. Criteria: ClinGen HL ACMG Specifications v1. Collection method: clinical testing. Allele origin: germline. Affected: yes.
Comment: PM2_Moderate, PM5_Moderate, PP3_Supporting

NM_133261.3(GIPC3):c.137G>A (p.Gly46Glu)

Gene: GIPC3 (GIPC PDZ domain containing family member 3; plus strand). Cytogenetic location: 19p13.3.
Variant type: single nucleotide variant.
Coding change: c.137G>A on transcript NM_133261.3 (MANE Select); coding-DNA position 137, G replaced by A.
Protein change: p.Gly46Glu; replaces glycine 46 with glutamic acid.
Molecular consequence: missense variant.
Genome position (GRCh38, 1-based): chr19:3,585,734, G>A. VCF-style: chr19-3585734-G-A. GRCh37 (hg19) VCF-style: chr19-3585732-G-A.
Other names: short protein forms G46E.
Identifiers: ClinVar variation 1064964 (VCV001064964.3), dbSNP rs2145268433, ClinGen allele CA403360167.